The following is an entry in ClinVar:

NM_001256071.3(RNF213):c.125C>T (p.Ala42Val)

Gene: RNF213 (ring finger protein 213; plus strand). Cytogenetic location: 17q25.3.
Variant type: single nucleotide variant.
Coding change: c.125C>T on transcript NM_001256071.3 (MANE Select); coding-DNA position 125, C replaced by T.
Protein change: p.Ala42Val; replaces alanine 42 with valine.
Molecular consequence: missense variant.
Genome position (GRCh38, 1-based): chr17:80,273,268, C>T. VCF-style: chr17-80273268-C-T. GRCh37 (hg19) VCF-style: chr17-78247067-C-T.
Other names: c.125C>T, p.Ala42Val (NM_001410195.1, NM_020914.5, NM_020954.4); short protein forms A42V.
Identifiers: ClinVar variation 2162085 (VCV002162085.4), dbSNP rs1382576032, ClinGen allele CA401360767.

ClinVar aggregate classification (germline): Uncertain significance (1 of 4 stars; one submission).

Allele frequency attached by ClinVar (database versions not stated): gnomAD 0.00001; gnomAD exomes 0.00001; TOPMed 0.00001.

Submission:

Labcorp Genetics (formerly Invitae), Labcorp
Classification: Uncertain significance. Last evaluated: 2022-11-22. Review status: criteria provided, single submitter. Criteria: Invitae Variant Classification Sherloc (09022015). Collection method: clinical testing. Allele origin: germline.
Comment: In summary, the available evidence is currently insufficient to determine the role of this variant in disease. Therefore, it has been classified as a Variant of Uncertain Significance. Advanced modeling of protein sequence and biophysical properties (such as structural, functional, and spatial information, amino acid conservation, physicochemical variation, residue mobility, and thermodynamic stability) performed at Invitae indicates that this missense variant is not expected to disrupt RNF213 protein function. This variant has not been reported in the literature in individuals affected with RNF213-related conditions. This variant is present in population databases (no rsID available, gnomAD 0.006%). This sequence change replaces alanine, which is neutral and non-polar, with valine, which is neutral and non-polar, at codon 42 of the RNF213 protein (p.Ala42Val).